The following is an entry in ClinVar:

NM_014000.3(VCL):c.239+9T>C

Gene: VCL (vinculin; plus strand). Cytogenetic location: 10q22.2.
Variant type: single nucleotide variant.
Coding change: c.239+9T>C on transcript NM_014000.3 (MANE Select); 9 bases into the intron after coding-DNA position 239, T replaced by C.
Molecular consequence: intron variant.
Genome position (GRCh38, 1-based): chr10:74,043,162, T>C. VCF-style: chr10-74043162-T-C. GRCh37 (hg19) VCF-style: chr10-75802920-T-C.
Other names: c.239+9T>C (NM_003373.4).
Identifiers: ClinVar variation 1136942 (VCV001136942.10), dbSNP rs574769425, ClinGen allele CA5562730.

ClinVar aggregate classification (germline): Likely benign. Review status: criteria provided, multiple submitters, no conflicts (2 of 4 stars). 2 submissions from 2 submitters: Likely benign (2). Last evaluated 2025-09-22.

Conditions:
Cardiomyopathy (CMYO). Also called: Cardiomyopathies. Identifiers: Orphanet 167848, MedGen C0878544, MONDO:0004994, HP:0001638. Inheritance: Various modes of inheritance.
Dilated cardiomyopathy 1W (CMD1W). Identifiers: Orphanet 154, MedGen C1969639, MONDO:0012667, OMIM 611407.

Allele frequency attached by ClinVar (database versions not stated): gnomAD exomes 0.00001 and 0.00002; ExAC 0.00002; 1000 Genomes Project 30x 0.00016; 1000 Genomes Project 0.00020.
gnomAD v4.1: 11 of 1,610,746 alleles (0.00068%); highest among the groups gnomAD compares: Middle Eastern, 0.017%; no homozygotes.

Submissions (2):

Labcorp Genetics (formerly Invitae), Labcorp
Classification: Likely benign for Dilated cardiomyopathy 1W. Last evaluated: 2025-09-22. Review status: criteria provided, single submitter. Criteria: Invitae Variant Classification Sherloc (09022015). Collection method: clinical testing. Allele origin: germline.

Victorian Clinical Genetics Services, Murdoch Childrens Research Institute
Classification: Likely benign for Cardiomyopathy. Last evaluated: 2020-10-19. Review status: criteria provided, single submitter. Criteria: ACMG Guidelines, 2015. Collection method: clinical testing. Allele origin: germline. Inheritance: Autosomal dominant inheritance.
Comment: Based on the classification scheme VCGS_Germline_v1.3.3, this variant is classified as likely benign. Following criteria are met: 0105 - The mechanism of disease for this gene is not clearly established. 0107 - This gene is associated with autosomal dominant disease. (I) 0112 - The condition associated with this gene has incomplete penetrance. (PMID: 32516855). (I) 0218 - Non-coding variant without known or predicted effect. Just outside the non-canonical donor splice region, intron 2 of 21. (I) 0251 - This variant is heterozygous. (I) 0302 - Variant is present in gnomAD (v2.1.1) <0.001 for a dominant condition (5 heterozygotes, 0 homozygotes). (SP) 0506 - Abnormal splicing is not predicted and nucleotide is poorly conserved. (SB) 0705 - No comparable variants (donor splice-site region or nearby non-coding variants) have previous evidence for pathogenicity. (I) 0807 - This variant has no previous evidence of pathogenicity. (I) 0905 - No published segregation evidence has been identified for this variant. (I) 1007 - No published functional evidence has been identified for this variant. (I) 1208 - Inheritance information for this variant is not currently available in this individual. (I) Legend: (SP) - Supporting Pathogenic, (I) – Information, (SB) – Supporting Benign

Literature cited by the submitters: PubMed 32516855 (cited by Victorian Clinical Genetics Services, Murdoch Childrens Research Institute).